The following is an entry in ClinVar:

NM_001330.5(CTF1):c.263G>T (p.Arg88Leu)

Genes: CTF1 (cardiotrophin 1; plus strand), LOC130058878 (ATAC-STARR-seq lymphoblastoid silent region 7400; plus strand). Cytogenetic location: 16p11.2.
Variant type: single nucleotide variant.
Coding change: c.263G>T on transcript NM_001330.5 (MANE Select); coding-DNA position 263, G replaced by T.
Protein change: p.Arg88Leu; replaces arginine 88 with leucine.
Molecular consequence: missense variant. On other transcripts: non-coding transcript variant (1).
Genome position (GRCh38, 1-based): chr16:30,902,196, G>T. VCF-style: chr16-30902196-G-T. GRCh37 (hg19) VCF-style: chr16-30913517-G-T.
Other names: c.260G>T, p.Arg87Leu (NM_001142544.3); short protein forms R87L, R88L.
Identifiers: ClinVar variation 2901538 (VCV002901538.3), dbSNP rs1215554789, ClinGen allele CA395618642.

ClinVar aggregate classification (germline): Uncertain significance (1 of 4 stars; one submission).

Allele frequency attached by ClinVar (database versions not stated): gnomAD 0.00001; TOPMed 0.00001.
gnomAD v4.1: 2 of 1,188,960 alleles (0.00017%); highest among the groups gnomAD compares: Non-Finnish European, 0.00021%; no homozygotes.

Submission:

Labcorp Genetics (formerly Invitae), Labcorp
Classification: Uncertain significance. Last evaluated: 2025-04-01. Review status: criteria provided, single submitter. Criteria: Invitae Variant Classification Sherloc (09022015). Collection method: clinical testing. Allele origin: germline.
Comment: This sequence change replaces arginine, which is basic and polar, with leucine, which is neutral and non-polar, at codon 88 of the CTF1 protein (p.Arg88Leu). The frequency data for this variant in the population databases is considered unreliable, as metrics indicate insufficient coverage at this position in the gnomAD database. This variant has not been reported in the literature in individuals affected with CTF1-related conditions. ClinVar contains an entry for this variant (Variation ID: 2901538). An algorithm developed to predict the effect of missense changes on protein structure and function (PolyPhen-2) suggests that this variant is likely to be tolerated. In summary, the available evidence is currently insufficient to determine the role of this variant in disease. Therefore, it has been classified as a Variant of Uncertain Significance.